The following is an entry in ClinVar:

ClinVar aggregate classification (germline): Benign. Review status: criteria provided, multiple submitters, no conflicts (2 of 4 stars). 2 submissions from 2 submitters: Benign (2). Last evaluated 2018-06-14.

Allele frequency attached by ClinVar (database versions not stated): TOPMed 0.26010; gnomAD 0.26669 and 0.27005; gnomAD exomes 0.28045; 1000 Genomes Project 0.20647; 1000 Genomes Project 30x 0.21237.
gnomAD v4.1: 165,667 of 597,230 alleles (28%); highest among the groups gnomAD compares: Middle Eastern, 34%; 24,518 homozygotes.

Submissions (2):

GeneDx
Classification: Benign. Last evaluated: 2018-06-14. Review status: criteria provided, single submitter. Criteria: GeneDx Variant Classification (06012015). Collection method: clinical testing. Allele origin: germline. Affected: yes.
Comment: This variant is considered likely benign or benign based on one or more of the following criteria: it is a conservative change, it occurs at a poorly conserved position in the protein, it is predicted to be benign by multiple in silico algorithms, and/or has population frequency not consistent with disease.

Breakthrough Genomics
Classification: Benign. Review status: criteria provided, single submitter. Criteria: ACMG Guidelines, 2015. Collection method: not provided. Allele origin: germline. Inheritance: Autosomal recessive inheritance. Affected: yes.

NM_018127.7(ELAC2):c.984-204C>G

Gene: ELAC2 (elaC ribonuclease Z 2; minus strand). Cytogenetic location: 17p12.
Variant type: single nucleotide variant.
Coding change: c.984-204C>G on transcript NM_018127.7 (MANE Select); 204 bases into the intron before coding-DNA position 984, C replaced by G.
Molecular consequence: intron variant.
Genome position (GRCh38, 1-based): chr17:13,003,778, G>C on the plus strand (C>G on the coding strand, the complement: ELAC2 is on the minus strand). VCF-style: chr17-13003778-G-C. GRCh37 (hg19) VCF-style: chr17-12907095-G-C.
Other names: c.864-204C>G (NM_001165962.2); c.984-204C>G (NM_173717.2).
Identifiers: ClinVar variation 674694 (VCV000674694.2), dbSNP rs58578352, ClinGen allele CA14480605.